The following is an entry in ClinVar:

ClinVar aggregate classification (germline): Uncertain significance. Review status: criteria provided, multiple submitters, no conflicts (2 of 4 stars). 2 submissions from 2 submitters: Uncertain significance (2). Last evaluated 2026-03-30.

Conditions:
Gastrointestinal stromal tumor. Also called: Gastrointestinal stromal tumor, somatic; Gastrointestinal stroma tumor. Identifiers: Orphanet 44890, MedGen C0238198, MeSH D046152, MONDO:0011719, OMIM 606764, HP:0100723.
Hereditary cancer-predisposing syndrome. Also called: Neoplastic Syndromes, Hereditary; Hereditary Cancer Syndrome; Hereditary neoplastic syndrome; Tumor predisposition. Identifiers: Orphanet 140162, MedGen C0027672, MeSH D009386, MONDO:0015356.

Submissions (2):

Ambry Genetics
Classification: Uncertain significance for Hereditary cancer-predisposing syndrome. Last evaluated: 2026-03-30. Review status: criteria provided, single submitter. Criteria: Ambry Variant Classification Scheme 2023. Collection method: clinical testing. Allele origin: germline.
Comment: The p.P164H variant (also known as c.491C>A), located in coding exon 3 of the KIT gene, results from a C to A substitution at nucleotide position 491. The proline at codon 164 is replaced by histidine, an amino acid with similar properties. This amino acid position is not well conserved in available vertebrate species. In addition, this alteration is predicted to be tolerated by in silico analysis. Based on the available evidence, the clinical significance of this variant remains unclear.

Labcorp Genetics (formerly Invitae), Labcorp
Classification: Uncertain significance for Gastrointestinal stromal tumor. Last evaluated: 2022-04-09. Review status: criteria provided, single submitter. Criteria: Invitae Variant Classification Sherloc (09022015). Collection method: clinical testing. Allele origin: germline.
Comment: Algorithms developed to predict the effect of missense changes on protein structure and function are either unavailable or do not agree on the potential impact of this missense change (SIFT: "Deleterious"; PolyPhen-2: "Possibly Damaging"; Align-GVGD: "Class C0"). ClinVar contains an entry for this variant (Variation ID: 971398). This variant has not been reported in the literature in individuals affected with KIT-related conditions. This variant is not present in population databases (gnomAD no frequency). This sequence change replaces proline, which is neutral and non-polar, with histidine, which is basic and polar, at codon 164 of the KIT protein (p.Pro164His). In summary, the available evidence is currently insufficient to determine the role of this variant in disease. Therefore, it has been classified as a Variant of Uncertain Significance.

NM_000222.3(KIT):c.491C>A (p.Pro164His)

Gene: KIT (KIT proto-oncogene, receptor tyrosine kinase; plus strand). Cytogenetic location: 4q12.
Variant type: single nucleotide variant.
Coding change: c.491C>A on transcript NM_000222.3 (MANE Select); coding-DNA position 491, C replaced by A.
Protein change: p.Pro164His; replaces proline 164 with histidine.
Molecular consequence: missense variant.
Genome position (GRCh38, 1-based): chr4:54,698,437, C>A. VCF-style: chr4-54698437-C-A. GRCh37 (hg19) VCF-style: chr4-55564603-C-A.
Other names: c.491C>A, p.Pro164His (NM_001093772.2, NM_001385284.1, NM_001385285.1 and 4 more transcripts); short protein forms P164H.
Identifiers: ClinVar variation 971398 (VCV000971398.11), dbSNP rs1720230009, ClinGen allele CA356897701.